The following is an entry in ClinVar:

ClinVar aggregate classification (germline): Uncertain significance. Review status: criteria provided, multiple submitters, no conflicts (2 of 4 stars). 2 submissions from 2 submitters: Uncertain significance (2). Last evaluated 2025-08-31.

Conditions:
Immunodeficiency 51 (IMD51). Also called: CANDIDIASIS, FAMILIAL, 5. Identifiers: Orphanet 1334, MedGen C4310803, MONDO:0013500, OMIM 613953.

Allele frequency attached by ClinVar (database versions not stated): gnomAD exomes 0.00003 and 0.00005; TOPMed 0.00003; ExAC 0.00004.
gnomAD v4.1: 55 of 1,613,922 alleles (0.0034%); highest among the groups gnomAD compares: Non-Finnish European, 0.0042%; 2 homozygotes.

Submissions (2):

Ambry Genetics
Classification: Uncertain significance. Last evaluated: 2025-08-31. Review status: criteria provided, single submitter. Criteria: Ambry Variant Classification Scheme 2023. Collection method: clinical testing. Allele origin: germline.

Labcorp Genetics (formerly Invitae), Labcorp
Classification: Uncertain significance for Immunodeficiency 51. Last evaluated: 2022-05-30. Review status: criteria provided, single submitter. Criteria: Invitae Variant Classification Sherloc (09022015). Collection method: clinical testing. Allele origin: germline.
Comment: This sequence change replaces valine, which is neutral and non-polar, with isoleucine, which is neutral and non-polar, at codon 161 of the IL17RA protein (p.Val161Ile). This variant is present in population databases (rs552176381, gnomAD 0.008%). This variant has not been reported in the literature in individuals affected with IL17RA-related conditions. ClinVar contains an entry for this variant (Variation ID: 844311). Algorithms developed to predict the effect of missense changes on protein structure and function output the following: SIFT: "Deleterious"; PolyPhen-2: "Benign"; Align-GVGD: "Class C0". The isoleucine amino acid residue is found in multiple mammalian species, which suggests that this missense change does not adversely affect protein function. In summary, the available evidence is currently insufficient to determine the role of this variant in disease. Therefore, it has been classified as a Variant of Uncertain Significance.

NM_014339.7(IL17RA):c.481G>A (p.Val161Ile)

Gene: IL17RA (interleukin 17 receptor A; plus strand). Cytogenetic location: 22q11.1.
Variant type: single nucleotide variant.
Coding change: c.481G>A on transcript NM_014339.7 (MANE Select); coding-DNA position 481, G replaced by A.
Protein change: p.Val161Ile; replaces valine 161 with isoleucine.
Molecular consequence: missense variant.
Genome position (GRCh38, 1-based): chr22:17,100,412, G>A. VCF-style: chr22-17100412-G-A. GRCh37 (hg19) VCF-style: chr22-17581302-G-A.
Other names: c.481G>A, p.Val161Ile (NM_001289905.2); c.481G>A (NM_014339.5); short protein forms V161I.
Identifiers: ClinVar variation 844311 (VCV000844311.6), dbSNP rs552176381, ClinGen allele CA10086373.